The following is an entry in ClinVar:

NM_004370.6(COL12A1):c.4417+4_4417+5del

Genes: COL12A1 (collagen type XII alpha 1 chain; minus strand), LOC129996730 (ATAC-STARR-seq lymphoblastoid active region 24756; plus strand). Cytogenetic location: 6q13.
Variant type: Deletion.
Coding change: c.4417+4_4417+5del on transcript NM_004370.6 (MANE Select); bases 4 to 5 of the intron after coding-DNA position 4417, 2 bases deleted (AG; older notation c.4417+4_4417+5delAG).
Molecular consequence: intron variant.
Genome position (GRCh38, 1-based): chr6:75,147,670-75,147,671, CT deleted on the plus strand (AG on the coding strand, the reverse complement: COL12A1 is on the minus strand); deleting any 2 consecutive bases within chr6:75,147,670-75,147,672 gives the same sequence; the c. name uses the placement nearest the transcript's 3' end. VCF-style (leftmost placement, unchanged base first): chr6-75147669-ACT-A. GRCh37 (hg19) VCF-style: chr6-75857385-ACT-A.
Other names: c.925+4_925+5del (NM_001424116.1, NM_080645.3); c.4144+4_4144+5del (NM_001424115.1); c.4417+4_4417+5del (NM_001424114.1, NM_001424113.1).
Identifiers: ClinVar variation 3750853 (VCV003750853.2).

ClinVar aggregate classification (germline): Uncertain significance (1 of 4 stars; one submission).

Conditions:
Ullrich congenital muscular dystrophy 2 (UCMD2). Identifiers: Orphanet 75840, MedGen C4225314, MONDO:0014654, OMIM 616470.
Bethlem myopathy 2 (BTHLM2). Identifiers: Orphanet 536516, Orphanet 610, MedGen C4225313, MONDO:0034022, OMIM 616471.

Submission:

Labcorp Genetics (formerly Invitae), Labcorp
Classification: Uncertain significance for Bethlem myopathy 2; Ullrich congenital muscular dystrophy 2. Last evaluated: 2024-07-16. Review status: criteria provided, single submitter. Criteria: Invitae Variant Classification Sherloc (09022015). Collection method: clinical testing. Allele origin: germline.
Comment: This sequence change falls in intron 23 of the COL12A1 gene. It does not directly change the encoded amino acid sequence of the COL12A1 protein. It affects a nucleotide within the consensus splice site. This variant is present in population databases (rs778815576, gnomAD 0.001%). This variant has not been reported in the literature in individuals affected with COL12A1-related conditions. Variants that disrupt the consensus splice site are a relatively common cause of aberrant splicing (PMID: 17576681, 9536098). Algorithms developed to predict the effect of sequence changes on RNA splicing suggest that this variant may disrupt the consensus splice site. In summary, the available evidence is currently insufficient to determine the role of this variant in disease. Therefore, it has been classified as a Variant of Uncertain Significance.

Literature cited by the submitters: PubMed 17576681; PubMed 9536098.